The following is an entry in ClinVar:

NM_001372106.1(DNAH10):c.4071C>T (p.Asn1357=)

Gene: DNAH10 (dynein axonemal heavy chain 10; plus strand). Cytogenetic location: 12q24.31.
Variant type: single nucleotide variant.
Coding change: c.4071C>T on transcript NM_001372106.1 (MANE Select); coding-DNA position 4071, C replaced by T.
Protein change: p.Asn1357=; no amino-acid change (asparagine 1357 retained).
Molecular consequence: synonymous variant.
Genome position (GRCh38, 1-based): chr12:123,820,650, C>T. VCF-style: chr12-123820650-C-T. GRCh37 (hg19) VCF-style: chr12-124305197-C-T.
Other names: c.3717C>T, p.Asn1239= (NM_207437.3).
Identifiers: ClinVar variation 5040996 (VCV005040996.1).

ClinVar aggregate classification (germline): Likely benign (1 of 4 stars; one submission).

gnomAD v4.1: 162 of 1,613,966 alleles (0.01%); highest among the groups gnomAD compares: East Asian, 0.16%; 1 homozygote.

Submission:

CeGaT Center for Human Genetics Tuebingen
Classification: Likely benign. Last evaluated: 2026-09-01. Review status: criteria provided, single submitter. Criteria: CeGaT Center For Human Genetics Tuebingen Variant Classification Criteria Version 2. Collection method: clinical testing. Allele origin: germline. Affected: yes. Observed: 1 variant allele.
Comment: DNAH10: BP4, BP7